The following is an entry in ClinVar:

NM_004706.4(ARHGEF1):c.559G>A (p.Glu187Lys)

Gene: ARHGEF1 (Rho guanine nucleotide exchange factor 1; plus strand). Cytogenetic location: 19q13.2.
Variant type: single nucleotide variant.
Coding change: c.559G>A on transcript NM_004706.4 (MANE Select); coding-DNA position 559, G replaced by A.
Protein change: p.Glu187Lys; replaces glutamic acid 187 with lysine.
Molecular consequence: missense variant. On other transcripts: non-coding transcript variant (2).
Genome position (GRCh38, 1-based): chr19:41,892,794, G>A. VCF-style: chr19-41892794-G-A. GRCh37 (hg19) VCF-style: chr19-42396865-G-A.
Other names: c.559G>A, p.Glu187Lys (NM_001396000.1, NM_001396003.1, NM_001396006.1); c.460G>A, p.Glu154Lys (NM_001396002.1, NM_001396004.1, NM_198977.2); c.604G>A, p.Glu202Lys (NM_199002.2); short protein forms E154K, E187K, E202K.
Identifiers: ClinVar variation 4748210 (VCV004748210.1).

ClinVar aggregate classification (germline): Uncertain significance (1 of 4 stars; one submission).

gnomAD v4.1: 11 of 1,596,506 alleles (0.00069%); highest among the groups gnomAD compares: Admixed American, 0.005%; no homozygotes.

Submission:

Labcorp Genetics (formerly Invitae), Labcorp
Classification: Uncertain significance. Last evaluated: 2025-03-10. Review status: criteria provided, single submitter. Criteria: Invitae Variant Classification Sherloc (09022015). Collection method: clinical testing. Allele origin: germline.
Comment: This sequence change replaces glutamic acid, which is acidic and polar, with lysine, which is basic and polar, at codon 202 of the ARHGEF1 protein (p.Glu202Lys). This variant is present in population databases (no rsID available, gnomAD 0.006%). This variant has not been reported in the literature in individuals affected with ARHGEF1-related conditions. An algorithm developed to predict the effect of missense changes on protein structure and function (PolyPhen-2) suggests that this variant is likely to be disruptive. In summary, the available evidence is currently insufficient to determine the role of this variant in disease. Therefore, it has been classified as a Variant of Uncertain Significance.